The following is an entry in ClinVar:

ClinVar aggregate classification (germline): Uncertain significance. Review status: criteria provided, multiple submitters, no conflicts (2 of 4 stars). 2 submissions from 2 submitters: Uncertain significance (2). Last evaluated 2024-10-22.

Submissions (2):

Labcorp Genetics (formerly Invitae), Labcorp
Classification: Uncertain significance. Last evaluated: 2024-10-22. Review status: criteria provided, single submitter. Criteria: Invitae Variant Classification Sherloc (09022015). Collection method: clinical testing. Allele origin: germline.
Comment: This sequence change falls in intron 1 of the LOXHD1 gene. It does not directly change the encoded amino acid sequence of the LOXHD1 protein. Information on the frequency of this variant in the gnomAD database is not available, as this variant may be reported differently in the database. This variant has not been reported in the literature in individuals affected with LOXHD1-related conditions. ClinVar contains an entry for this variant (Variation ID: 228812). In summary, the available evidence is currently insufficient to determine the role of this variant in disease. Therefore, it has been classified as a Variant of Uncertain Significance.

Laboratory for Molecular Medicine, Mass General Brigham Personalized Medicine
Classification: Uncertain significance. Last evaluated: 2015-05-28. Review status: criteria provided, single submitter. Criteria: LMM Criteria. Collection method: clinical testing. Allele origin: germline. Observed: 1 variant allele.
Comment: The c.131-11_131-10delinsAA variant in LOXHD1 has not been previously reported i n individuals with hearing loss. Data from large population studies are insuffic ient to assess the frequency of this variant. This variant is located in the 3' splice region. Computational tools do not suggest an impact to splicing. However , this information is not predictive enough to rule out pathogenicity. In summar y, the clinical significance of the c.131-11_131-10delinsAA variant is uncertain .

NM_001384474.1(LOXHD1):c.131-11_131-10delinsAA

Gene: LOXHD1 (lipoxygenase homology PLAT domains 1; minus strand). Cytogenetic location: 18q21.1.
Variant type: Indel.
Coding change: c.131-11_131-10delinsAA on transcript NM_001384474.1 (MANE Select); 11 bases into the intron before coding-DNA position 131 through 10 bases into the intron before coding-DNA position 131, TC replaced by AA.
Molecular consequence: intron variant.
Genome position (GRCh38, 1-based): chr18:46,649,279-46,649,280, GA replaced by TT on the plus strand (TC replaced by AA on the coding strand, the reverse complement: LOXHD1 is on the minus strand). VCF-style: chr18-46649279-GA-TT. GRCh37 (hg19) VCF-style: chr18-44229242-GA-TT.
Other names: c.131-11_131-10delinsAA (NM_144612.7).
Identifiers: ClinVar variation 228812 (VCV000228812.8), dbSNP rs876657857, ClinGen allele CA10577090.